The following is an entry in ClinVar:

NM_020191.4(MRPS22):c.760_763del (p.Asp254fs)

Gene: MRPS22 (mitochondrial ribosomal protein S22; plus strand). Cytogenetic location: 3q23.
Variant type: Deletion.
Coding change: c.760_763del on transcript NM_020191.4 (MANE Select); coding-DNA positions 760 to 763, 4 bases deleted (GATA; older notation c.760_763delGATA).
Protein change: p.Asp254fs; shifts the reading frame from aspartic acid 254.
Molecular consequence: frameshift variant.
Genome position (GRCh38, 1-based): chr3:139,352,674-139,352,677, GATA deleted; deleting any 4 consecutive bases within chr3:139,352,671-139,352,677 gives the same sequence; the c. name uses the placement nearest the transcript's 3' end. VCF-style (leftmost placement, unchanged base first): chr3-139352670-TATAG-T. GRCh37 (hg19) VCF-style: chr3-139071512-TATAG-T.
Other names: c.637_640del, p.Asp213fs (NM_001363857.1); c.757_760del, p.Asp253fs (NM_001363893.1); short protein forms D253fs, D213fs, D254fs.
Identifiers: ClinVar variation 2984216 (VCV002984216.3), dbSNP rs868695898, ClinGen allele CA83995185.

ClinVar aggregate classification (germline): Pathogenic (1 of 4 stars; one submission).

Submission:

Labcorp Genetics (formerly Invitae), Labcorp
Classification: Pathogenic. Last evaluated: 2025-06-12. Review status: criteria provided, single submitter. Criteria: Invitae Variant Classification Sherloc (09022015). Collection method: clinical testing. Allele origin: germline.
Comment: This sequence change creates a premature translational stop signal (p.Asp254Asnfs*22) in the MRPS22 gene. It is expected to result in an absent or disrupted protein product. Loss-of-function variants in MRPS22 are known to be pathogenic (PMID: 28425981, 29096039). This variant is not present in population databases (gnomAD no frequency). This variant has not been reported in the literature in individuals affected with MRPS22-related conditions. ClinVar contains an entry for this variant (Variation ID: 2984216). For these reasons, this variant has been classified as Pathogenic.

Literature cited by the submitters: PubMed 28425981; PubMed 29096039.